The following is an entry in ClinVar:

NM_015102.5(NPHP4):c.2278A>G (p.Ile760Val)

Gene: NPHP4 (nephrocystin 4; minus strand). Cytogenetic location: 1p36.31.
Variant type: single nucleotide variant.
Coding change: c.2278A>G on transcript NM_015102.5 (MANE Select); coding-DNA position 2278, A replaced by G.
Protein change: p.Ile760Val; replaces isoleucine 760 with valine.
Molecular consequence: missense variant. On other transcripts: non-coding transcript variant (1).
Genome position (GRCh38, 1-based): chr1:5,890,894, T>C on the plus strand (A>G on the coding strand, the complement: NPHP4 is on the minus strand). VCF-style: chr1-5890894-T-C. GRCh37 (hg19) VCF-style: chr1-5950954-T-C.
Other names: c.739A>G, p.Ile247Val (NM_001291593.2); c.742A>G, p.Ile248Val (NM_001291594.2); short protein forms I248V, I247V, I760V.
Identifiers: ClinVar variation 1396819 (VCV001396819.8), dbSNP rs1044293014, ClinGen allele CA17150542.

ClinVar aggregate classification (germline): Uncertain significance (1 of 4 stars; one submission).

Conditions:
Nephronophthisis. Also called: Juvenile Nephronophthisis. Identifiers: Orphanet 655, MedGen C0687120, MONDO:0019005, HP:0000090.

Allele frequency attached by ClinVar (database versions not stated): gnomAD 0.00001; TOPMed 0.00002.
gnomAD v4.1: 15 of 1,610,554 alleles (0.00093%); highest among the groups gnomAD compares: Admixed American, 0.0017%; no homozygotes.

Submission:

Labcorp Genetics (formerly Invitae), Labcorp
Classification: Uncertain significance for Nephronophthisis. Last evaluated: 2025-04-16. Review status: criteria provided, single submitter. Criteria: Invitae Variant Classification Sherloc (09022015). Collection method: clinical testing. Allele origin: germline.
Comment: This sequence change replaces isoleucine, which is neutral and non-polar, with valine, which is neutral and non-polar, at codon 760 of the NPHP4 protein (p.Ile760Val). This variant is present in population databases (no rsID available, gnomAD 0.003%). This variant has not been reported in the literature in individuals affected with NPHP4-related conditions. ClinVar contains an entry for this variant (Variation ID: 1396819). Invitae Evidence Modeling of protein sequence and biophysical properties (such as structural, functional, and spatial information, amino acid conservation, physicochemical variation, residue mobility, and thermodynamic stability) indicates that this missense variant is not expected to disrupt NPHP4 protein function with a negative predictive value of 80%. In summary, the available evidence is currently insufficient to determine the role of this variant in disease. Therefore, it has been classified as a Variant of Uncertain Significance.